The following is an entry in ClinVar:

NM_001048174.2(MUTYH):c.965A>C (p.Asp322Ala)

Gene: MUTYH (mutY DNA glycosylase; minus strand). Cytogenetic location: 1p34.1.
Variant type: single nucleotide variant.
Coding change: c.965A>C on transcript NM_001048174.2 (MANE Select); coding-DNA position 965, A replaced by C.
Protein change: p.Asp322Ala; replaces aspartic acid 322 with alanine.
Molecular consequence: missense variant. On other transcripts: non-coding transcript variant (7).
Genome position (GRCh38, 1-based): chr1:45,331,798, T>G on the plus strand (A>C on the coding strand, the complement: MUTYH is on the minus strand). VCF-style: chr1-45331798-T-G. GRCh37 (hg19) VCF-style: chr1-45797470-T-G.
Other names: c.1049A>C, p.Asp350Ala (NM_001128425.2); c.1010A>C, p.Asp337Ala (NM_001293190.2); c.998A>C, p.Asp333Ala (NM_001293191.2, NM_001407069.1, NM_001407077.1); c.689A>C, p.Asp230Ala (NM_001293192.2, NM_001293196.2, NM_001407091.1); c.965A>C, p.Asp322Ala (NM_001293195.2, NM_001407088.1, NM_001407089.1 and 6 more transcripts); c.620A>C, p.Asp207Ala (NM_001350650.2, NM_001350651.2, NM_001407082.1); c.1007A>C, p.Asp336Ala (NM_001407083.1, NM_001407085.1); c.968A>C, p.Asp323Ala (NM_001407086.1, NM_001048172.2, NM_001407071.1 and 1 more transcripts); and 5 more; short protein forms D337A, D350A, D323A, D294A, D308A, D309A, D333A, D207A.
Identifiers: ClinVar variation 4112960 (VCV004112960.1).
Genomic context (GRCh38, chr1:45,331,798, plus strand): 5'-TCCTCCCTGGGGGGCTTGCGGCTGGCCTTTCTGGGGAAGTTGACCACTCCCAGGGTCTGG[T>G]CCCAGGGCTCCGAGGGAGGCAGGCACAGGTGGCACTGTCCAGTGTTGGGAGCTGGGAACG-3'
Protein context (NP_001041639.1, residues 312-332): HLCLPPSEPW[Asp322Ala]QTLGVVNFPR

ClinVar aggregate classification (germline): Uncertain significance (1 of 4 stars; one submission).

Conditions:
Hereditary cancer-predisposing syndrome. Also called: Tumor predisposition; Neoplastic Syndromes, Hereditary; Hereditary neoplastic syndrome; Hereditary Cancer Syndrome. Identifiers: Orphanet 140162, MedGen C0027672, MeSH D009386, MONDO:0015356.

Submission:

Ambry Genetics
Classification: Uncertain significance for Hereditary cancer-predisposing syndrome. Last evaluated: 2025-08-27. Review status: criteria provided, single submitter. Criteria: Ambry Variant Classification Scheme 2023. Collection method: clinical testing. Allele origin: germline.
Comment: The p.D350A variant (also known as c.1049A>C), located in coding exon 12 of the MUTYH gene, results from an A to C substitution at nucleotide position 1049. The aspartic acid at codon 350 is replaced by alanine, an amino acid with dissimilar properties. This amino acid position is conserved. In addition, this alteration is predicted to be tolerated by in silico analysis. Based on the available evidence, the clinical significance of this variant remains unclear.